The following is an entry in ClinVar:

ClinVar aggregate classification (germline): Likely pathogenic. Review status: criteria provided, multiple submitters, no conflicts (2 of 4 stars). 2 submissions from 2 submitters: Likely pathogenic (2). Last evaluated 2023-02-17.

Conditions:
Cardiovascular phenotype. Identifiers: MedGen CN230736.
Dilated cardiomyopathy 1G (CMD1G). Identifiers: Orphanet 154, MedGen C1858763, MONDO:0011400, OMIM 604145.
Autosomal recessive limb-girdle muscular dystrophy type 2J (LGMDR10). Also called: MUSCULAR DYSTROPHY, LIMB-GIRDLE, AUTOSOMAL RECESSIVE 10; Limb-girdle muscular dystrophy, type 2J. Identifiers: Orphanet 140922, MedGen C1837342, MONDO:0012127, OMIM 608807.

Submissions (2):

Ambry Genetics
Classification: Likely pathogenic for Cardiovascular phenotype. Last evaluated: 2023-02-17. Review status: criteria provided, single submitter. Criteria: Ambry Variant Classification Scheme 2023. Collection method: clinical testing. Allele origin: germline.
Comment: The c.20947delA variant, located in coding exon 83 of the TTN gene, results from a deletion of one nucleotide at nucleotide position 20947, causing a translational frameshift with a predicted alternate stop codon (p.I6983Lfs*5). This exon is located in the A-band region of the N2-B isoform of the titin protein and is constitutively expressed in TTN transcripts (percent spliced in or PSI 100%). This variant is considered to be rare based on population cohorts in the Genome Aggregation Database (gnomAD). This alteration is expected to result in loss of function by premature protein truncation or nonsense-mediated mRNA decay. While truncating variants in TTN are present in 1-3% of the general population, truncating variants in the A-band are the most common cause of dilated cardiomyopathy (DCM) (Herman DS et al. N. Engl. J. Med., 2012 Feb;366:619-28; Roberts AM et al. Sci Transl Med, 2015 Jan;7:270ra6). TTN truncating variants encoded in constitutive exons (PSI >90%) have been found to be significantly associated with DCM regardless of their position in titin (Schafer S et al. Nat. Genet., 2017 01;49:46-53). Based on the majority of available evidence to date, this variant is likely to be pathogenic.

Labcorp Genetics (formerly Invitae), Labcorp
Classification: Likely pathogenic for Dilated cardiomyopathy 1G; Autosomal recessive limb-girdle muscular dystrophy type 2J. Last evaluated: 2022-06-08. Review status: criteria provided, single submitter. Criteria: Invitae Variant Classification Sherloc (09022015). Collection method: clinical testing. Allele origin: germline.
Comment: This variant is located in the A band of TTN (PMID: 25589632). Truncating variants in this region are significantly overrepresented in patients affected with dilated cardiomyopathy (PMID: 25589632). Truncating variants in this region have also been reported in individuals affected with autosomal recessive centronuclear myopathy (PMID: 23975875). This variant has not been reported in the literature in individuals affected with TTN-related conditions. This variant is not present in population databases (gnomAD no frequency). This sequence change creates a premature translational stop signal (p.Ile16048Leufs*5) in the TTN gene. While this is not anticipated to result in nonsense mediated decay, it is expected to create a truncated TTN protein. In summary, the currently available evidence indicates that the variant is pathogenic, but additional data are needed to prove that conclusively. Therefore, this variant has been classified as Likely Pathogenic.

Literature cited by the submitters: PubMed 25589632 (cited by Labcorp Genetics (formerly Invitae), Labcorp); PubMed 23975875 (cited by Labcorp Genetics (formerly Invitae), Labcorp).

NM_001267550.2(TTN):c.48142del (p.Ile16048fs)

Genes: TTN (titin; minus strand), TTN-AS1 (TTN antisense RNA 1; plus strand). Cytogenetic location: 2q31.2.
Variant type: Deletion.
Coding change: c.48142del on transcript NM_001267550.2 (MANE Select); coding-DNA position 48142, one base deleted (A; older notation c.48142delA).
Protein change: p.Ile16048fs; shifts the reading frame from isoleucine 16048.
Molecular consequence: frameshift variant.
Genome position (GRCh38, 1-based): chr2:178,616,747, T deleted on the plus strand (A on the coding strand, the reverse complement: TTN is on the minus strand); the first of 3 consecutive T bases (chr2:178,616,747-178,616,749); deleting any one gives the same sequence. VCF-style (leftmost placement, unchanged base first): chr2-178616746-AT-A. GRCh37 (hg19) VCF-style: chr2-179481473-AT-A.
Other names: c.20947delA (NM_003319.4); c.43219del, p.Ile14407fs (NM_001256850.1); c.20947del, p.Ile6983fs (NM_003319.4); c.40438del, p.Ile13480fs (NM_133378.4); c.21322del, p.Ile7108fs (NM_133432.3); c.21523del, p.Ile7175fs (NM_133437.4); short protein forms I14407fs, I7175fs, I13480fs, I7108fs, I16048fs, I6983fs.
Identifiers: ClinVar variation 2002749 (VCV002002749.5), dbSNP rs2470817715, ClinGen allele CA2580065338.